The following is an entry in ClinVar:

NM_032043.3(BRIP1):c.3253A>G (p.Arg1085Gly)

Gene: BRIP1 (BRCA1 interacting DNA helicase 1; minus strand). Cytogenetic location: 17q23.2.
Variant type: single nucleotide variant.
Coding change: c.3253A>G on transcript NM_032043.3 (MANE Select); coding-DNA position 3253, A replaced by G.
Protein change: p.Arg1085Gly; replaces arginine 1085 with glycine.
Molecular consequence: missense variant.
Genome position (GRCh38, 1-based): chr17:61,683,793, T>C on the plus strand (A>G on the coding strand, the complement: BRIP1 is on the minus strand). VCF-style: chr17-61683793-T-C. GRCh37 (hg19) VCF-style: chr17-59761154-T-C.
Other names: short protein forms R1085G.
Identifiers: ClinVar variation 1729441 (VCV001729441.3), dbSNP rs2144082920, ClinGen allele CA400479126.

ClinVar aggregate classification (germline): Uncertain significance (1 of 4 stars; one submission).

Conditions:
Hereditary cancer-predisposing syndrome. Also called: Neoplastic Syndromes, Hereditary; Tumor predisposition; Hereditary Cancer Syndrome; Hereditary neoplastic syndrome. Identifiers: Orphanet 140162, MedGen C0027672, MeSH D009386, MONDO:0015356.

Allele frequency attached by ClinVar (database versions not stated): gnomAD exomes below 0.00001.
gnomAD v4.1: 1 of 1,614,224 alleles (0.000062%); highest among the groups gnomAD compares: Non-Finnish European, 0.000085%; no homozygotes.

Submission:

Ambry Genetics
Classification: Uncertain significance for Hereditary cancer-predisposing syndrome. Last evaluated: 2024-08-19. Review status: criteria provided, single submitter. Criteria: Ambry Variant Classification Scheme 2023. Collection method: clinical testing. Allele origin: germline.
Comment: The p.R1085G variant (also known as c.3253A>G), located in coding exon 19 of the BRIP1 gene, results from an A to G substitution at nucleotide position 3253. The arginine at codon 1085 is replaced by glycine, an amino acid with dissimilar properties. This amino acid position is conserved. In addition, this alteration is predicted to be tolerated by in silico analysis. Since supporting evidence is limited at this time, the clinical significance of this alteration remains unclear.